The following is an entry in ClinVar:

ClinVar aggregate classification (germline): Uncertain significance (1 of 4 stars; one submission).

Conditions:
Bethlem myopathy 2 (BTHLM2). Identifiers: Orphanet 536516, Orphanet 610, MedGen C4225313, MONDO:0034022, OMIM 616471.
Ullrich congenital muscular dystrophy 2 (UCMD2). Identifiers: Orphanet 75840, MedGen C4225314, MONDO:0014654, OMIM 616470.

gnomAD v4.1: 5 of 1,601,210 alleles (0.00031%); highest among the groups gnomAD compares: African/African-American, 0.0013%; no homozygotes.

Submission:

Labcorp Genetics (formerly Invitae), Labcorp
Classification: Uncertain significance for Bethlem myopathy 2; Ullrich congenital muscular dystrophy 2. Last evaluated: 2025-02-27. Review status: criteria provided, single submitter. Criteria: Invitae Variant Classification Sherloc (09022015). Collection method: clinical testing. Allele origin: germline.
Comment: This sequence change replaces aspartic acid, which is acidic and polar, with alanine, which is neutral and non-polar, at codon 30 of the COL12A1 protein (p.Asp30Ala). This variant is not present in population databases (gnomAD no frequency). This variant has not been reported in the literature in individuals affected with COL12A1-related conditions. An algorithm developed to predict the effect of missense changes on protein structure and function (PolyPhen-2) suggests that this variant is likely to be disruptive. In summary, the available evidence is currently insufficient to determine the role of this variant in disease. Therefore, it has been classified as a Variant of Uncertain Significance.

NM_004370.6(COL12A1):c.89A>C (p.Asp30Ala)

Gene: COL12A1 (collagen type XII alpha 1 chain; minus strand). Cytogenetic location: 6q13.
Variant type: single nucleotide variant.
Coding change: c.89A>C on transcript NM_004370.6 (MANE Select); coding-DNA position 89, A replaced by C.
Protein change: p.Asp30Ala; replaces aspartic acid 30 with alanine.
Molecular consequence: missense variant. On other transcripts: intron variant (2).
Genome position (GRCh38, 1-based): chr6:75,194,932, T>G on the plus strand (A>C on the coding strand, the complement: COL12A1 is on the minus strand). VCF-style: chr6-75194932-T-G. GRCh37 (hg19) VCF-style: chr6-75904648-T-G.
Other names: c.89A>C, p.Asp30Ala (NM_001424113.1, NM_001424114.1, NM_001424115.1); c.73+7788A>C (NM_001424116.1, NM_080645.3); short protein forms D30A.
Identifiers: ClinVar variation 4790475 (VCV004790475.1).